The following is an entry in ClinVar:

ClinVar aggregate classification (germline): Uncertain significance (1 of 4 stars; one submission).

Conditions:
Ehlers-Danlos syndrome, classic type, 1 (EDSCL1). Also called: EHLERS-DANLOS SYNDROME, GRAVIS TYPE; EHLERS-DANLOS SYNDROME, SEVERE CLASSIC TYPE; Ehlers-Danlos syndrome, type 1; Ehlers-Danlos Syndrome, Classic Type, COL5A1-Related; EDS I. Identifiers: MedGen C0268335, MONDO:0019567, OMIM 130000.

Submission:

Labcorp Genetics (formerly Invitae), Labcorp
Classification: Uncertain significance for Ehlers-Danlos syndrome, classic type, 1. Last evaluated: 2024-10-10. Review status: criteria provided, single submitter. Criteria: Invitae Variant Classification Sherloc (09022015). Collection method: clinical testing. Allele origin: germline.
Comment: This sequence change falls in intron 50 of the COL5A1 gene. It does not directly change the encoded amino acid sequence of the COL5A1 protein. It affects a nucleotide within the consensus splice site. This variant is not present in population databases (gnomAD no frequency). This variant has not been reported in the literature in individuals affected with COL5A1-related conditions. Variants that disrupt the consensus splice site are a relatively common cause of aberrant splicing (PMID: 17576681, 9536098). Algorithms developed to predict the effect of sequence changes on RNA splicing suggest that this variant may disrupt the consensus splice site. In summary, the available evidence is currently insufficient to determine the role of this variant in disease. Therefore, it has been classified as a Variant of Uncertain Significance.

Literature cited by the submitters: PubMed 17576681; PubMed 9536098.

NM_000093.5(COL5A1):c.4014+6T>C

Gene: COL5A1 (collagen type V alpha 1 chain; plus strand). Cytogenetic location: 9q34.3.
Variant type: single nucleotide variant.
Coding change: c.4014+6T>C on transcript NM_000093.5 (MANE Select); 6 bases into the intron after coding-DNA position 4014, T replaced by C.
Molecular consequence: intron variant.
Genome position (GRCh38, 1-based): chr9:134,814,910, T>C. VCF-style: chr9-134814910-T-C. GRCh37 (hg19) VCF-style: chr9-137706756-T-C.
Other names: c.4014+6T>C (NM_001278074.1).
Identifiers: ClinVar variation 3687351 (VCV003687351.2).